The following is an entry in ClinVar:

ClinVar aggregate classification (germline): Uncertain significance (1 of 4 stars; one submission).

Allele frequency attached by ClinVar (database versions not stated): gnomAD exomes below 0.00001; gnomAD 0.00001.
gnomAD v4.1: 2 of 1,612,714 alleles (0.00012%); highest among the groups gnomAD compares: East Asian, 0.0022%; no homozygotes.

Submission:

Ambry Genetics
Classification: Uncertain significance. Last evaluated: 2023-09-17. Review status: criteria provided, single submitter. Criteria: Ambry Variant Classification Scheme 2023. Collection method: clinical testing. Allele origin: germline.
Comment: The p.Q142E variant (also known as c.424C>G), located in coding exon 1 of the EGLN2 gene, results from a C to G substitution at nucleotide position 424. The glutamine at codon 142 is replaced by glutamic acid, an amino acid with highly similar properties. This amino acid position is conserved. In addition, this alteration is predicted to be tolerated by in silico analysis. Since supporting evidence is limited at this time, the clinical significance of this alteration remains unclear.

NM_080732.4(EGLN2):c.424C>G (p.Gln142Glu)

Genes: EGLN2 (egl-9 family hypoxia inducible factor 2; plus strand), RAB4B-EGLN2 (RAB4B-EGLN2 readthrough (NMD candidate); plus strand). Cytogenetic location: 19q13.2.
Variant type: single nucleotide variant.
Coding change: c.424C>G on transcript NM_080732.4 (MANE Select); coding-DNA position 424, C replaced by G.
Protein change: p.Gln142Glu; replaces glutamine 142 with glutamic acid.
Molecular consequence: missense variant. On other transcripts: non-coding transcript variant (1).
Genome position (GRCh38, 1-based): chr19:40,800,996, C>G. VCF-style: chr19-40800996-C-G. GRCh37 (hg19) VCF-style: chr19-41306901-C-G.
Other names: c.424C>G, p.Gln142Glu (NM_053046.4); short protein forms Q142E.
Identifiers: ClinVar variation 3229002 (VCV003229002.1), dbSNP rs1403893583, ClinGen allele CA405955225.
Genomic context (GRCh38, chr19:40,800,996, plus strand): 5'-GCCGAGGATGGTGGGGATGCCCCTTCACCCAGCAAACGGCCCTGGGCCAGGCAAGAGAAC[C>G]AGGAGGCAGAGCGGGAGGGTGGCATGAGCTGCAGCTGCAGCAGTGGCAGTGGTGAGGCCA-3'
Protein context (NP_542770.2, residues 132-152): SKRPWARQEN[Gln142Glu]EAEREGGMSC